The following is an entry in ClinVar:

ClinVar aggregate classification (germline): Uncertain significance. Review status: criteria provided, multiple submitters, no conflicts (2 of 4 stars). 2 submissions from 2 submitters: Uncertain significance (2). Last evaluated 2025-01-22.

Conditions:
Maple syrup urine disease, mild variant (MSUDMV). Identifiers: Orphanet 511, MedGen C3554575, MONDO:0014057, OMIM 615135.

Allele frequency attached by ClinVar (database versions not stated): ESP Exome Variant Server 0.00023; 1000 Genomes Project 30x 0.00047; gnomAD exomes 0.00015; gnomAD 0.00022; TOPMed 0.00012; ExAC 0.00014; 1000 Genomes Project 0.00060.

Submissions (2):

Ambry Genetics
Classification: Uncertain significance. Last evaluated: 2025-01-22. Review status: criteria provided, single submitter. Criteria: Ambry Variant Classification Scheme 2023. Collection method: clinical testing. Allele origin: germline.

Labcorp Genetics (formerly Invitae), Labcorp
Classification: Uncertain significance for Maple syrup urine disease, mild variant. Last evaluated: 2024-09-09. Review status: criteria provided, single submitter. Criteria: Invitae Variant Classification Sherloc (09022015). Collection method: clinical testing. Allele origin: germline.
Comment: This sequence change replaces alanine, which is neutral and non-polar, with threonine, which is neutral and polar, at codon 98 of the PPM1K protein (p.Ala98Thr). This variant is present in population databases (rs149313625, gnomAD 0.1%), and has an allele count higher than expected for a pathogenic variant. This variant has not been reported in the literature in individuals affected with PPM1K-related conditions. ClinVar contains an entry for this variant (Variation ID: 2046368). An algorithm developed to predict the effect of missense changes on protein structure and function (PolyPhen-2) suggests that this variant is likely to be tolerated. In summary, the available evidence is currently insufficient to determine the role of this variant in disease. Therefore, it has been classified as a Variant of Uncertain Significance.

NM_152542.5(PPM1K):c.292G>A (p.Ala98Thr)

Gene: PPM1K (protein phosphatase, Mg2+/Mn2+ dependent 1K; minus strand). Cytogenetic location: 4q22.1.
Variant type: single nucleotide variant.
Coding change: c.292G>A on transcript NM_152542.5 (MANE Select); coding-DNA position 292, G replaced by A.
Protein change: p.Ala98Thr; replaces alanine 98 with threonine.
Molecular consequence: missense variant.
Genome position (GRCh38, 1-based): chr4:88,278,292, C>T on the plus strand (G>A on the coding strand, the complement: PPM1K is on the minus strand). VCF-style: chr4-88278292-C-T. GRCh37 (hg19) VCF-style: chr4-89199444-C-T.
Other names: c.292G>A (NM_152542.3); short protein forms A98T.
Identifiers: ClinVar variation 2046368 (VCV002046368.5), dbSNP rs149313625, ClinGen allele CA3005329.